The following is an entry in ClinVar:

NM_003719.5(PDE8B):c.1289-12C>T

Gene: PDE8B (phosphodiesterase 8B; plus strand). Cytogenetic location: 5q13.3.
Variant type: single nucleotide variant.
Coding change: c.1289-12C>T on transcript NM_003719.5 (MANE Select); 12 bases into the intron before coding-DNA position 1289, C replaced by T.
Molecular consequence: intron variant.
Genome position (GRCh38, 1-based): chr5:77,407,369, C>T. VCF-style: chr5-77407369-C-T. GRCh37 (hg19) VCF-style: chr5-76703194-C-T.
Other names: c.1049-12C>T (NM_001349750.3); c.905-12C>T (NM_001376069.1); c.986-12C>T (NM_001376062.1, NM_001376072.1); c.845-12C>T (NM_001376070.1); c.695-12C>T (NM_001376073.1); c.983-12C>T (NM_001349752.3); c.842-12C>T (NM_001376071.1); c.926-12C>T (NM_001376066.1); and 12 more.
Identifiers: ClinVar variation 1958816 (VCV001958816.5), dbSNP rs1411940004, ClinGen allele CA814123494.

ClinVar aggregate classification (germline): Uncertain significance (1 of 4 stars; one submission).

Submission:

Labcorp Genetics (formerly Invitae), Labcorp
Classification: Uncertain significance. Last evaluated: 2022-03-12. Review status: criteria provided, single submitter. Criteria: Invitae Variant Classification Sherloc (09022015). Collection method: clinical testing. Allele origin: germline.
Comment: In summary, the available evidence is currently insufficient to determine the role of this variant in disease. Therefore, it has been classified as a Variant of Uncertain Significance. Algorithms developed to predict the effect of sequence changes on RNA splicing suggest that this variant may disrupt the consensus splice site. This variant has not been reported in the literature in individuals affected with PDE8B-related conditions. This variant is not present in population databases (gnomAD no frequency). This sequence change falls in intron 12 of the PDE8B gene. It does not directly change the encoded amino acid sequence of the PDE8B protein.